The following is an entry in ClinVar:

NM_004366.6(CLCN2):c.1981T>A (p.Ser661Thr)

Gene: CLCN2 (chloride voltage-gated channel 2; minus strand). Cytogenetic location: 3q27.1.
Variant type: single nucleotide variant.
Coding change: c.1981T>A on transcript NM_004366.6 (MANE Select); coding-DNA position 1981, T replaced by A.
Protein change: p.Ser661Thr; replaces serine 661 with threonine.
Molecular consequence: missense variant.
Genome position (GRCh38, 1-based): chr3:184,353,297, A>T on the plus strand (T>A on the coding strand, the complement: CLCN2 is on the minus strand). VCF-style: chr3-184353297-A-T. GRCh37 (hg19) VCF-style: chr3-184071085-A-T.
Other names: p.Ser661Thr; c.1930T>A, p.Ser644Thr (NM_001171087.3); c.1849T>A, p.Ser617Thr (NM_001171088.3); c.1981T>A, p.Ser661Thr (NM_001171089.3); short protein forms S661T, S617T, S644T.
Identifiers: ClinVar variation 377181 (VCV000377181.42), dbSNP rs115380062, ClinGen allele CA2733919.
Genomic context (GRCh38, chr3:184,353,297, plus strand): 5'-CTTTTCCCCTCACCTGGAAGCAGACAGAAGCCTCAGGGGTAGGGGGACCCTCCTGATCAG[A>T]TAGTGGAGAGGTCTGGGTGGCTCTGCGCTCCTGCATGTGCTGCCGCCGGCGGGCTGGGCT-3'
Protein context (NP_004357.3, residues 651-671): ERRATQTSPL[Ser661Thr]DQEGPPTPEA

ClinVar aggregate classification (germline): Benign/Likely benign. Review status: criteria provided, multiple submitters, no conflicts (2 of 4 stars). 5 submissions from 5 submitters: Benign (3); Likely benign (2). Last evaluated 2026-01-05.

Allele frequency attached by ClinVar (database versions not stated): ESP Exome Variant Server 0.00346; TOPMed 0.00446; 1000 Genomes Project 0.00599; 1000 Genomes Project 30x 0.00656.
gnomAD v4.1: 1,296 of 1,613,758 alleles (0.08%); highest among the groups gnomAD compares: African/African-American, 1.5%; 14 homozygotes.

Submissions (5):

Labcorp Genetics (formerly Invitae), Labcorp
Classification: Benign. Last evaluated: 2026-01-05. Review status: criteria provided, single submitter. Criteria: Invitae Variant Classification Sherloc (09022015). Collection method: clinical testing. Allele origin: germline.

Mayo Clinic Laboratories, Mayo Clinic
Classification: Benign. Last evaluated: 2024-10-15. Review status: criteria provided, single submitter. Criteria: ACMG Guidelines, 2015. Collection method: clinical testing. Allele origin: germline. Observed: 3 variant alleles.
Comment: BS1, BS2, BP4

CeGaT Center for Human Genetics Tuebingen
Classification: Benign. Last evaluated: 2023-01-01. Review status: criteria provided, single submitter. Criteria: CeGaT Center For Human Genetics Tuebingen Variant Classification Criteria Version 2. Collection method: clinical testing. Allele origin: germline. Affected: yes. Observed: 1 variant allele.
Comment: CLCN2: BP4, BS1, BS2

Center for Pediatric Genomic Medicine, Children's Mercy Hospital and Clinics
Classification: Likely benign. Last evaluated: 2016-09-02. Review status: criteria provided, single submitter. Criteria: ACMG Guidelines, 2015. Collection method: clinical testing. Allele origin: germline.
ClinVar note: Converted during submission from Likely Benign to Likely benign.

Breakthrough Genomics
Classification: Likely benign. Review status: criteria provided, single submitter. Criteria: ACMG Guidelines, 2015. Collection method: not provided. Allele origin: germline. Inheritance: Autosomal recessive inheritance. Affected: yes.